The following is an entry in ClinVar:

ClinVar aggregate classification (germline): Pathogenic/Likely pathogenic. Review status: criteria provided, multiple submitters, no conflicts (2 of 4 stars). 2 submissions from 2 submitters: Pathogenic (1); Likely pathogenic (1). Last evaluated 2024-02-12.

Conditions:
Arthrogryposis multiplex congenita 6. Identifiers: MedGen C5543431, MONDO:0030281, OMIM 619334.
Nemaline myopathy 2 (NEM2). Also called: Nemaline myopathy 2, autosomal recessive. Identifiers: MedGen C1850569, MONDO:0009725, OMIM 256030.

Submissions (2):

Baylor Genetics
Classification: Likely pathogenic for Arthrogryposis multiplex congenita 6. Last evaluated: 2024-02-12. Review status: criteria provided, single submitter. Criteria: ACMG Guidelines, 2015. Collection method: clinical testing. Allele origin: unknown.

Labcorp Genetics (formerly Invitae), Labcorp
Classification: Pathogenic for Nemaline myopathy 2. Last evaluated: 2023-02-11. Review status: criteria provided, single submitter. Criteria: Invitae Variant Classification Sherloc (09022015). Collection method: clinical testing. Allele origin: germline.
Comment: For these reasons, this variant has been classified as Pathogenic. This variant has not been reported in the literature in individuals affected with NEB-related conditions. This variant is not present in population databases (gnomAD no frequency). This sequence change creates a premature translational stop signal (p.Met2849Ilefs*14) in the NEB gene. It is expected to result in an absent or disrupted protein product. Loss-of-function variants in NEB are known to be pathogenic (PMID: 25205138).

Literature cited by the submitters: PubMed 25205138 (cited by Labcorp Genetics (formerly Invitae), Labcorp).

NM_001164508.2(NEB):c.8545_8546dup (p.Met2849fs)

Gene: NEB (nebulin; minus strand). Cytogenetic location: 2q23.3.
Variant type: Duplication.
Coding change: c.8545_8546dup on transcript NM_001164508.2 (MANE Select); coding-DNA positions 8545 to 8546, 2 bases duplicated (AT; older notation c.8545_8546dupAT).
Protein change: p.Met2849fs; shifts the reading frame from methionine 2849.
Molecular consequence: frameshift variant.
Genome position (GRCh38, 1-based): chr2:151,640,494-151,640,495, AT duplicated on the plus strand (AT on the coding strand, the reverse complement: NEB is on the minus strand). VCF-style (leftmost placement, unchanged base first): chr2-151640493-C-CAT. GRCh37 (hg19) VCF-style: chr2-152497007-C-CAT.
Other names: c.8545_8546dup, p.Met2849fs (NM_001164507.2, NM_001271208.2, NM_004543.5); short protein forms M2849fs.
Identifiers: ClinVar variation 2739878 (VCV002739878.4), dbSNP rs2552243981, ClinGen allele CA2697551131.